The following is an entry in ClinVar:

ClinVar aggregate classification (germline): Benign (1 of 4 stars; one submission).

Allele frequency attached by ClinVar (database versions not stated): TOPMed 0.71858; gnomAD 0.72885; 1000 Genomes Project 30x 0.77295; 1000 Genomes Project 0.78315; gnomAD exomes 0.79455.
gnomAD v4.1: 357,509 of 462,890 alleles (77%); highest among the groups gnomAD compares: East Asian, 99%; 140,538 homozygotes.

Submission:

Unidad de Genómica Garrahan, Hospital de Pediatría Garrahan
Classification: Benign. Last evaluated: 2024-01-24. Review status: criteria provided, single submitter. Criteria: ACMG Guidelines, 2015. Collection method: clinical testing. Allele origin: germline. Affected: no. Observed: 84 variant alleles.
Comment: This variant is classified as Benign based on local population frequency. This variant was detected in 95% of patients studied by a panel of primary immunodeficiencies. Number of patients: 84. Only high quality variants are reported.

NM_001318777.2(TIRAP):c.67+634T>C

Gene: TIRAP (TIR domain containing adaptor protein; plus strand). Cytogenetic location: 11q24.2.
Variant type: single nucleotide variant.
Coding change: c.67+634T>C on transcript NM_001318777.2 (MANE Select); 634 bases into the intron after coding-DNA position 67, T replaced by C.
Molecular consequence: intron variant.
Genome position (GRCh38, 1-based): chr11:126,291,595, T>C. VCF-style: chr11-126291595-T-C. GRCh37 (hg19) VCF-style: chr11-126161490-T-C.
Other names: c.67+634T>C (NM_001039661.2, NM_148910.3, NM_001318776.2).
Identifiers: ClinVar variation 2688416 (VCV002688416.2), dbSNP rs614700, ClinGen allele CA13401673.
Genomic context (GRCh38, chr11:126,291,595, plus strand): 5'-GTCCACAGTCAAAGCCGTGTCCCTGACTCCAGAGTGTGGGTTCTGAATCACGAAGCTCTC[T>C]GCTCCTCAGCAACTCTGAGCAGTAGCCTCTTCCCCATTTAGCGACAATCTAGGATTTCTT-3'